The following is an entry in ClinVar:

NM_000132.4(F8):c.6686T>C (p.Leu2229Pro)

Gene: F8 (coagulation factor VIII; minus strand). Cytogenetic location: Xq28.
Variant type: single nucleotide variant.
Coding change: c.6686T>C on transcript NM_000132.4 (MANE Select); coding-DNA position 6686, T replaced by C.
Protein change: p.Leu2229Pro; replaces leucine 2229 with proline.
Molecular consequence: missense variant.
Genome position (GRCh38, 1-based): chrX:154,861,755, A>G on the plus strand (T>C on the coding strand, the complement: F8 is on the minus strand). VCF-style: chrX-154861755-A-G. GRCh37 (hg19) VCF-style: chrX-154090030-A-G.
Other names: c.281T>C, p.Leu94Pro (NM_019863.3); short protein forms L2229P, L94P.
Identifiers: ClinVar variation 626935 (VCV000626935.6), dbSNP rs1603431506, ClinGen allele CA414905380.

ClinVar aggregate classification (germline): Pathogenic/Likely pathogenic. Review status: criteria provided, multiple submitters, no conflicts (2 of 4 stars). 3 submissions from 3 submitters: Pathogenic (2); Likely pathogenic (1). Last evaluated 2025-08-15.

Conditions:
Hereditary factor IX deficiency disease (HEMB). Also called: Hemophilia B; PLASMA THROMBOPLASTIN COMPONENT DEFICIENCY; F9 DEFICIENCY; FACTOR IX DEFICIENCY; Christmas Disease. Identifiers: Orphanet 98879, MedGen C0008533, MeSH D002836, MONDO:0010604, OMIM 306900.

Allele frequency attached by ClinVar (database versions not stated): gnomAD exomes below 0.00001; TOPMed 0.00002.
gnomAD v4.1: 3 of 1,212,062 alleles (0.00025%); highest among the groups gnomAD compares: Non-Finnish European, 0.00034%; no homozygotes.

Submissions (3):

GeneDx
Classification: Likely pathogenic. Last evaluated: 2025-08-15. Review status: criteria provided, single submitter. Criteria: GeneDx Variant Classification Process June 2021. Collection method: clinical testing. Allele origin: germline. Affected: yes.
Comment: In silico analysis supports that this missense variant has a deleterious effect on protein structure/function; Not observed at significant frequency in large population cohorts (gnomAD); This variant is associated with the following publications: (PMID: 15471879, 19473423, 23926300, 37647632, 36007526, 36760169, 31064749)

ARUP Laboratories, Molecular Genetics and Genomics, ARUP Laboratories
Classification: Pathogenic. Last evaluated: 2022-11-07. Review status: criteria provided, single submitter. Criteria: ARUP Molecular Germline Variant Investigation Process 2021. Collection method: clinical testing. Allele origin: germline.
Comment: The F8 c.6686T>C; p.Leu2229Pro variant (rs1603431506) is reported in the literature in individuals affected with mild hemophilia A (Downes 2019, Eckhardt 2013, Markoff 2009, see link to FVIII database and references therein). This variant is also reported in ClinVar (Variation ID: 626935), but is absent from the Genome Aggregation Database, indicating it is not a common polymorphism. The leucine at codon 2229 is highly conserved, and computational analyses predict that this variant is deleterious (REVEL: 0.965). Additionally, another variant at this codon (c.6685C>T, p.Leu2229Phe) has been reported in individuals with mild hemophilia A and is considered pathogenic (Downes 2019, Eckhardt 2013, Markoff 2009). Based on available information, the p.Leu2229Pro variant is considered to be pathogenic. References: Link to FVIII database: Downes K et al. Diagnostic high-throughput sequencing of 2396 patients with bleeding, thrombotic, and platelet disorders. Blood. 2019 Dec 5;134(23):2082-2091. PMID: 31064749. Eckhardt CL et al. Factor VIII gene (F8) mutation and risk of inhibitor development in nonsevere hemophilia A. Blood. 2013 Sep 12;122(11):1954-62. PMID: 23926300. Markoff A. Combined homology modelling and evolutionary significance evaluation of missense mutations in blood clotting factor VIII to highlight aspects of structure and function. Haemophilia. 2009 Jul;15(4):932-41. PMID: 19473423.

NIHR Bioresource Rare Diseases, University of Cambridge
Classification: Pathogenic for Hereditary factor IX deficiency disease. Last evaluated: 2019-02-01. Review status: criteria provided, single submitter. Criteria: ACMG Guidelines, 2015. Collection method: research. Allele origin: unknown. Affected: yes. Observed: 2 hemizygotes. Study: ThromboGenomics.

Literature cited by the submitters: PubMed 31064749 (cited by NIHR Bioresource Rare Diseases, University of Cambridge).